The following is an entry in ClinVar:

NM_015665.6(AAAS):c.500C>T (p.Ala167Val)

Gene: AAAS (aladin WD repeat nucleoporin; minus strand). Cytogenetic location: 12q13.13.
Variant type: single nucleotide variant.
Coding change: c.500C>T on transcript NM_015665.6 (MANE Select); coding-DNA position 500, C replaced by T.
Protein change: p.Ala167Val; replaces alanine 167 with valine.
Molecular consequence: missense variant. On other transcripts: intron variant (1).
Genome position (GRCh38, 1-based): chr12:53,314,796, G>A on the plus strand (C>T on the coding strand, the complement: AAAS is on the minus strand). VCF-style: chr12-53314796-G-A. GRCh37 (hg19) VCF-style: chr12-53708580-G-A.
Other names: c.446+298C>T (NM_001173466.2); short protein forms A167V.
Identifiers: ClinVar variation 2735891 (VCV002735891.4), dbSNP rs1017700992, ClinGen allele CA237335767.

ClinVar aggregate classification (germline): Pathogenic. Review status: criteria provided, multiple submitters, no conflicts (2 of 4 stars). 2 submissions from 2 submitters: Pathogenic (2). Last evaluated 2024-08-06.

Conditions:
Glucocorticoid deficiency with achalasia (AAAS). Also called: ALACRIMA-ACHALASIA-ADRENAL INSUFFICIENCY NEUROLOGIC DISORDER; Achalasia-addisonianism-alacrimia syndrome; AAA syndrome; Allgrove syndrome; Addisonian achalasia syndrome; Achalasia-Addisonianism-Alacrima (Triple-A) Syndrome. Identifiers: Orphanet 869, MedGen C0271742, MONDO:0009279, OMIM 231550.

Allele frequency attached by ClinVar (database versions not stated): gnomAD exomes below 0.00001.
gnomAD v4.1: 5 of 1,613,926 alleles (0.00031%); highest among the groups gnomAD compares: Non-Finnish European, 0.00042%; no homozygotes.

Submissions (2):

Women's Health and Genetics/Laboratory Corporation of America, LabCorp
Classification: Pathogenic for Glucocorticoid deficiency with achalasia. Last evaluated: 2024-08-06. Review status: criteria provided, single submitter. Criteria: LabCorp Variant Classification Summary - May 2015. Collection method: clinical testing. Allele origin: germline.
Comment: Variant summary: AAAS c.500C>T (p.Ala167Val) results in a non-conservative amino acid change in the encoded protein sequence. Five of five in-silico tools predict a damaging effect of the variant on protein function. The variant was absent in 250988 control chromosomes. c.500C>T has been reported in the literature in the homozygous state in at least 2 individuals affected with Glucocorticoid Deficiency With Achalasia, also known as AAA syndrome (example, Mochos_2011, Nakamura_2010, Salmaggi_2008). These data indicate that the variant is likely to be associated with disease. At least one publication reports experimental evidence evaluating an impact on protein function. In vitro experiments found that this variant results in protein mislocalization (example, Macke_2022). The following publications have been ascertained in the context of this evaluation (PMID: 35570467, 21626165, 20674935, 18953174). ClinVar contains an entry for this variant (Variation ID: 2735891). Based on the evidence outlined above, the variant was classified as pathogenic.

Labcorp Genetics (formerly Invitae), Labcorp
Classification: Pathogenic. Last evaluated: 2024-02-06. Review status: criteria provided, single submitter. Criteria: Invitae Variant Classification Sherloc (09022015). Collection method: clinical testing. Allele origin: germline.
Comment: This sequence change replaces alanine, which is neutral and non-polar, with valine, which is neutral and non-polar, at codon 167 of the AAAS protein (p.Ala167Val). This variant is not present in population databases (gnomAD no frequency). This missense change has been observed in individuals with achalasia-addisonianism-alacrimia syndrome (PMID: 18953174, 21626165). It has also been observed to segregate with disease in related individuals. Advanced modeling of protein sequence and biophysical properties (such as structural, functional, and spatial information, amino acid conservation, physicochemical variation, residue mobility, and thermodynamic stability) performed at Invitae indicates that this missense variant is expected to disrupt AAAS protein function with a positive predictive value of 80%. Experimental studies have shown that this missense change affects AAAS function (PMID: 16609705, 35570467). Algorithms developed to predict the effect of sequence changes on RNA splicing suggest that this variant may disrupt the consensus splice site. This variant disrupts the p.Ala167 amino acid residue in AAAS. Other variant(s) that disrupt this residue have been determined to be pathogenic (PMID: 30612286; Invitae). This suggests that this residue is clinically significant, and that variants that disrupt this residue are likely to be disease-causing. For these reasons, this variant has been classified as Pathogenic.

Literature cited by the submitters: PubMed 20674935 (cited by Women's Health and Genetics/Laboratory Corporation of America, LabCorp); PubMed 35570467 (cited by Women's Health and Genetics/Laboratory Corporation of America, LabCorp and Labcorp Genetics (formerly Invitae), Labcorp); PubMed 21626165 (cited by Women's Health and Genetics/Laboratory Corporation of America, LabCorp and Labcorp Genetics (formerly Invitae), Labcorp); PubMed 18953174 (cited by Women's Health and Genetics/Laboratory Corporation of America, LabCorp and Labcorp Genetics (formerly Invitae), Labcorp); PubMed 16609705 (cited by Labcorp Genetics (formerly Invitae), Labcorp); PubMed 30612286 (cited by Labcorp Genetics (formerly Invitae), Labcorp).